The following is an entry in ClinVar:

NM_198129.4(LAMA3):c.4519C>T (p.Gln1507Ter)

Gene: LAMA3 (laminin subunit alpha 3; plus strand). Cytogenetic location: 18q11.2.
Variant type: single nucleotide variant.
Coding change: c.4519C>T on transcript NM_198129.4 (MANE Select); coding-DNA position 4519, C replaced by T.
Protein change: p.Gln1507Ter; replaces glutamine 1507 with a stop codon.
Molecular consequence: nonsense.
Genome position (GRCh38, 1-based): chr18:23,861,742, C>T. VCF-style: chr18-23861742-C-T. GRCh37 (hg19) VCF-style: chr18-21441706-C-T.
Other names: c.4519C>T, p.Gln1507Ter (NM_001127717.4); short protein forms Q1507*.
Identifiers: ClinVar variation 549985 (VCV000549985.4), dbSNP rs534665666, ClinGen allele CA8915632.

ClinVar aggregate classification (germline): Likely pathogenic. Review status: criteria provided, single submitter (1 of 4 stars). 2 submissions from 2 submitters: Likely pathogenic (1). 1 of the submissions does not count toward it.

Conditions:
Laryngo-onycho-cutaneous syndrome (JEB2C). Also called: SHABBIR SYNDROME; LOGIC SYNDROME; EPIDERMOLYSIS BULLOSA, JUNCTIONAL 2C, LARYNGOONYCHOCUTANEOUS. Identifiers: Orphanet 2407, MedGen C1328355, MONDO:0009513, OMIM 245660.
Epidermolysis bullosa, junctional 2A, intermediate. Also called: EPIDERMOLYSIS BULLOSA, JUNCTIONAL 2A, GENERALIZED INTERMEDIATE; EPIDERMOLYSIS BULLOSA, JUNCTIONAL 2A, NON-HERLITZ TYPE. Identifiers: MedGen C5676936, MONDO:0030746, OMIM 619783.
Epidermolysis bullosa, junctional 2B, severe. Also called: EPIDERMOLYSIS BULLOSA, JUNCTIONAL 2B, GENERALIZED SEVERE; EPIDERMOLYSIS BULLOSA, JUNCTIONAL 2B, HERLITZ TYPE. Identifiers: MedGen C5676937, MONDO:0030747, OMIM 619784.
Junctional epidermolysis bullosa gravis of Herlitz. Also called: EPIDERMOLYSIS BULLOSA JUNCTIONALIS, HERLITZ TYPE; EPIDERMOLYSIS BULLOSA, JUNCTIONAL, HERLITZ-PEARSON TYPE; JEB-HERLITZ TYPE; Epidermolysis Bullosa Letalis; EPIDERMOLYSIS BULLOSA, JUNCTIONAL 1B, SEVERE; Herlitz-type junctional epidermolysis bullosa. Identifiers: Orphanet 79404, MedGen C0079683, MONDO:0009182, OMIM 226700.

Allele frequency attached by ClinVar (database versions not stated): gnomAD exomes below 0.00001 and 0.00002; ExAC 0.00001; gnomAD 0.00001; 1000 Genomes Project 30x 0.00016; 1000 Genomes Project 0.00020.
gnomAD v4.1: 6 of 1,613,960 alleles (0.00037%); highest among the groups gnomAD compares: East Asian, 0.013%; no homozygotes.

Submissions (2):

Juno Genomics, Hangzhou Juno Genomics, Inc
Classification: Likely pathogenic for Epidermolysis bullosa, junctional 2A, intermediate; Epidermolysis bullosa, junctional 2B, severe; Laryngo-onycho-cutaneous syndrome. Review status: criteria provided, single submitter. Criteria: ACMG Guidelines, 2015. Collection method: clinical testing. Allele origin: germline. Affected: yes.
Comment: Absent from controls (or at extremely low frequency if recessive) in Genome Aggregation Database, Exome Sequencing Project, 1000 Genomes Project, or Exome Aggregation Consortium.;Null variant in a gene where loss of function (LOF) is a known mechanism of disease.

Counsyl
Classification: Uncertain significance for Junctional epidermolysis bullosa gravis of Herlitz. Last evaluated: 2017-04-21. Review status: no assertion criteria provided. Collection method: clinical testing. Allele origin: unknown. Not counted in ClinVar's aggregate classification.